The following is an entry in ClinVar:

ClinVar aggregate classification (germline): Pathogenic. Review status: criteria provided, single submitter (1 of 4 stars). 2 submissions from 1 submitter: Pathogenic (2). Last evaluated 2022-10-04.

Conditions:
Lysosomal acid lipase deficiency. Also called: Acid cholesteryl ester hydrolase deficiency, type 2. Identifiers: Orphanet 275761, MedGen C5574740, MONDO:0800449, MONDO:0010204.
Wolman disease (WOLD). Also called: Acid cholesteryl ester hydrolase deficiency, Wolman type; Acid lipase disease; Wolman disease, CESD; LYSOSOMAL ACID LIPASE DEFICIENCY, ACUTE INFANTILE; LYSOSOMAL ACID LIPASE DEFICIENCY, COMPLETE; LIPA DEFICIENCY, COMPLETE. Identifiers: Orphanet 75233, MedGen C0043208, MONDO:0019148, OMIM 620151.

Submissions (2):

Labcorp Genetics (formerly Invitae), Labcorp
Classification: Pathogenic for Wolman disease. Last evaluated: 2022-10-04. Review status: criteria provided, single submitter. Criteria: Invitae Variant Classification Sherloc (09022015). Collection method: clinical testing. Allele origin: germline.
Comment: This variant is a gross deletion of the genomic region encompassing exon(s) 4 of the LIPA gene. This deletion is out-of-frame, and is expected to create a premature termination codon and result in an absent or disrupted protein product. Loss-of-function variants in LIPA are known to be pathogenic (PMID: 23485521). A similar copy number variant has been observed in individuals with lysosomal acid lipase (LAL) deficiency (PMID: 26350820). It has also been observed to segregate with disease in related individuals. For these reasons, this variant has been classified as Pathogenic.

Labcorp Genetics (formerly Invitae), Labcorp
Classification: Pathogenic for Lysosomal acid lipase deficiency. Last evaluated: 2019-10-04. Review status: criteria provided, single submitter. Criteria: Invitae Variant Classification Sherloc (09022015). Collection method: clinical testing. Allele origin: germline.
Comment: This variant is an out-of-frame deletion of the genomic region encompassing exon 4 of the LIPA gene. This is expected to create a premature translational stop signal and result in an absent or disrupted protein product. This variant has been observed to segregate with lysosomal acid lipase (LAL) deficiency in a family (PMID: 26350820). Loss-of-function variants in LIPA are known to be pathogenic (PMID: 23485521). For these reasons, this variant has been classified as Pathogenic.

Literature cited by the submitters: PubMed 23485521; PubMed 26350820.

NC_000010.11:g.(?_89228190)_(89228408_?)del

Gene: LIPA (lipase A, lysosomal acid type; minus strand). Cytogenetic location: 10q23.31.
Variant type: Deletion.
Identifiers: ClinVar variation 833070 (VCV000833070.10).